The following is an entry in ClinVar:

ClinVar aggregate classification (germline): Uncertain significance. Review status: criteria provided, multiple submitters, no conflicts (2 of 4 stars). 2 submissions from 2 submitters: Uncertain significance (2). Last evaluated 2025-11-26.

Conditions:
Hereditary cancer-predisposing syndrome. Also called: Neoplastic Syndromes, Hereditary; Tumor predisposition; Hereditary Cancer Syndrome; Hereditary neoplastic syndrome. Identifiers: Orphanet 140162, MedGen C0027672, MeSH D009386, MONDO:0015356.

Submissions (2):

Ambry Genetics
Classification: Uncertain significance for Hereditary cancer-predisposing syndrome. Last evaluated: 2025-11-26. Review status: criteria provided, single submitter. Criteria: Ambry Variant Classification Scheme 2023. Collection method: clinical testing. Allele origin: germline.
Comment: The p.Q911H variant (also known as c.2733G>C), located in coding exon 24 of the POLE gene, results from a G to C substitution at nucleotide position 2733. The glutamine at codon 911 is replaced by histidine, an amino acid with highly similar properties. This amino acid position is conserved. In addition, this alteration is predicted to be tolerated by in silico analysis. Based on the available evidence, the clinical significance of this variant remains unclear.

Labcorp Genetics (formerly Invitae), Labcorp
Classification: Uncertain significance. Last evaluated: 2022-07-27. Review status: criteria provided, single submitter. Criteria: Invitae Variant Classification Sherloc (09022015). Collection method: clinical testing. Allele origin: germline.
Comment: In summary, the available evidence is currently insufficient to determine the role of this variant in disease. Therefore, it has been classified as a Variant of Uncertain Significance. Algorithms developed to predict the effect of missense changes on protein structure and function (SIFT, PolyPhen-2, Align-GVGD) all suggest that this variant is likely to be tolerated. This variant has not been reported in the literature in individuals affected with POLE-related conditions. This variant is not present in population databases (gnomAD no frequency). This sequence change replaces glutamine, which is neutral and polar, with histidine, which is basic and polar, at codon 911 of the POLE protein (p.Gln911His).

NM_006231.4(POLE):c.2733G>C (p.Gln911His)

Gene: POLE (DNA polymerase epsilon, catalytic subunit; minus strand). Cytogenetic location: 12q24.33.
Variant type: single nucleotide variant.
Coding change: c.2733G>C on transcript NM_006231.4 (MANE Select); coding-DNA position 2733, G replaced by C.
Protein change: p.Gln911His; replaces glutamine 911 with histidine.
Molecular consequence: missense variant.
Genome position (GRCh38, 1-based): chr12:132,661,658, C>G on the plus strand (G>C on the coding strand, the complement: POLE is on the minus strand). VCF-style: chr12-132661658-C-G. GRCh37 (hg19) VCF-style: chr12-133238244-C-G.
Other names: c.2733G>C (NM_006231.2); short protein forms Q911H.
Identifiers: ClinVar variation 1713916 (VCV001713916.6), dbSNP rs2135949462, ClinGen allele CA387393984.